The following is an entry in ClinVar:

ClinVar aggregate classification (germline): Uncertain significance. Review status: criteria provided, multiple submitters, no conflicts (2 of 4 stars). 3 submissions from 3 submitters: Uncertain significance (3). Last evaluated 2025-12-03.

Conditions:
THBD-related disorder. Also called: THBD-related condition.
Thrombomodulin-related bleeding disorder (THPH12). Also called: Thrombophilia due to thrombomodulin defect. Identifiers: Orphanet 436169, MedGen C3280976, MONDO:0013775, OMIM 614486.
Atypical hemolytic-uremic syndrome with thrombomodulin anomaly. Also called: HEMOLYTIC UREMIC SYNDROME, ATYPICAL, SUSCEPTIBILITY TO, 6; AHUS, SUSCEPTIBILITY TO, 6. Identifiers: MedGen C2752036, MONDO:0013044, OMIM 612926. Disease mechanism: gain of function.

Allele frequency attached by ClinVar (database versions not stated): gnomAD 0.00001; TOPMed 0.00001; gnomAD exomes 0.00003; ExAC 0.00006; ESP Exome Variant Server 0.00008.

Submissions (3):

Labcorp Genetics (formerly Invitae), Labcorp
Classification: Uncertain significance. Last evaluated: 2025-12-03. Review status: criteria provided, single submitter. Criteria: Invitae Variant Classification Sherloc (09022015). Collection method: clinical testing. Allele origin: germline.
Comment: This sequence change replaces asparagine, which is neutral and polar, with lysine, which is basic and polar, at codon 354 of the THBD protein (p.Asn354Lys). This variant is present in population databases (rs375147630, gnomAD 0.007%). This variant has not been reported in the literature in individuals affected with THBD-related conditions. ClinVar contains an entry for this variant (Variation ID: 1017467). Invitae Evidence Modeling of protein sequence and biophysical properties (such as structural, functional, and spatial information, amino acid conservation, physicochemical variation, residue mobility, and thermodynamic stability) indicates that this missense variant is not expected to disrupt THBD protein function with a negative predictive value of 80%. In summary, the available evidence is currently insufficient to determine the role of this variant in disease. Therefore, it has been classified as a Variant of Uncertain Significance.

PreventionGenetics, part of Exact Sciences
Classification: Uncertain significance for THBD-related condition. Last evaluated: 2025-04-28. Review status: criteria provided, single submitter. Criteria: ACMG Guidelines, 2015. Collection method: clinical testing. Allele origin: germline.
Comment: The THBD c.1062C>G variant is predicted to result in the amino acid substitution p.Asn354Lys. To our knowledge, this variant has not been reported in the literature. This variant is reported in 0.0070% of alleles in individuals of European (Non-Finnish) descent in gnomAD. At this time, the clinical significance of this variant is uncertain due to the absence of conclusive functional and genetic evidence.

Fulgent Genetics
Classification: Uncertain significance for Atypical hemolytic-uremic syndrome with thrombomodulin anomaly; Thrombomodulin-related bleeding disorder. Last evaluated: 2024-05-13. Review status: criteria provided, single submitter. Criteria: ACMG Guidelines, 2015. Collection method: clinical testing. Allele origin: germline.

NM_000361.3(THBD):c.1062C>G (p.Asn354Lys)

Gene: THBD (thrombomodulin; minus strand). Cytogenetic location: 20p11.21.
Variant type: single nucleotide variant.
Coding change: c.1062C>G on transcript NM_000361.3 (MANE Select); coding-DNA position 1062, C replaced by G.
Protein change: p.Asn354Lys; replaces asparagine 354 with lysine.
Molecular consequence: missense variant.
Genome position (GRCh38, 1-based): chr20:23,048,443, G>C on the plus strand (C>G on the coding strand, the complement: THBD is on the minus strand). VCF-style: chr20-23048443-G-C. GRCh37 (hg19) VCF-style: chr20-23029080-G-C.
Other names: c.1062C>G (NM_000361.2); short protein forms N354K.
Identifiers: ClinVar variation 1017467 (VCV001017467.10), dbSNP rs375147630, ClinGen allele CA9787633.